The following is an entry in ClinVar:

ClinVar aggregate classification (germline): Pathogenic (1 of 4 stars; one submission).

Submission:

Labcorp Genetics (formerly Invitae), Labcorp
Classification: Pathogenic. Last evaluated: 2023-09-20. Review status: criteria provided, single submitter. Criteria: Invitae Variant Classification Sherloc (09022015). Collection method: clinical testing. Allele origin: germline.
Comment: This sequence change creates a premature translational stop signal (p.Ala741Glnfs*10) in the ANK1 gene. It is expected to result in an absent or disrupted protein product. Loss-of-function variants in ANK1 are known to be pathogenic (PMID: 8640229). This variant is not present in population databases (gnomAD no frequency). This variant has not been reported in the literature in individuals affected with ANK1-related conditions. For these reasons, this variant has been classified as Pathogenic.

Literature cited by the submitters: PubMed 8640229.

NM_000037.4(ANK1):c.2221del (p.Ala741fs)

Gene: ANK1 (ankyrin 1; minus strand). Cytogenetic location: 8p11.21.
Variant type: Deletion.
Coding change: c.2221del on transcript NM_000037.4 (MANE Select); coding-DNA position 2221, one base deleted (G; older notation c.2221delG).
Protein change: p.Ala741fs; shifts the reading frame from alanine 741.
Molecular consequence: frameshift variant.
Genome position (GRCh38, 1-based): chr8:41,704,115, C deleted on the plus strand (G on the coding strand, the reverse complement: ANK1 is on the minus strand); the first of 2 consecutive C bases (chr8:41,704,115-41,704,116); deleting either gives the same sequence. VCF-style (leftmost placement, unchanged base first): chr8-41704114-GC-G. GRCh37 (hg19) VCF-style: chr8-41561632-GC-G.
Other names: c.2320del, p.Ala774fs (NM_001142446.2); c.2221del, p.Ala741fs (NM_020475.3, NM_020476.3, NM_020477.3); short protein forms A774fs, A741fs.
Identifiers: ClinVar variation 2761999 (VCV002761999.3), dbSNP rs2486839378, ClinGen allele CA2697549913.
Genomic context (GRCh38, chr8:41,704,114, plus strand): 5'-TTTGGGGAAGCACCGTTTTTCAGAAGCAGAGTCACGATGTCTGTGTGTCCCTGCTGGGCT[GC>G]CTGGTGCAGGGGGCTGTATCCTAGCTGCAAAGTGAGCAGACATTTAGGCAGGGTTAGCCA-3'